The following is an entry in ClinVar:

ClinVar aggregate classification (germline): Benign/Likely benign. Review status: criteria provided, multiple submitters, no conflicts (2 of 4 stars). 7 submissions from 7 submitters: Benign (2); Likely benign (5). Last evaluated 2026-01-03.

Conditions:
MYO15A-related disorder. Also called: MYO15A-related condition.
Autosomal recessive nonsyndromic hearing loss 3. Also called: NEUROSENSORY NONSYNDROMIC RECESSIVE DEAFNESS 3. Identifiers: Orphanet 90636, MedGen C1838263, MONDO:0010860, OMIM 600316.

Allele frequency attached by ClinVar (database versions not stated): gnomAD exomes 0.00019 and 0.00049; ExAC 0.00054; ESP Exome Variant Server 0.00116; gnomAD 0.00192 and 0.00208; TOPMed 0.00207; 1000 Genomes Project 0.00240; 1000 Genomes Project 30x 0.00250.
gnomAD v4.1: 587 of 1,613,122 alleles (0.036%); highest among the groups gnomAD compares: African/African-American, 0.67%; 1 homozygote.

Submissions (7):

Labcorp Genetics (formerly Invitae), Labcorp
Classification: Benign. Last evaluated: 2026-01-03. Review status: criteria provided, single submitter. Criteria: Invitae Variant Classification Sherloc (09022015). Collection method: clinical testing. Allele origin: germline.

CeGaT Center for Human Genetics Tuebingen
Classification: Likely benign. Last evaluated: 2025-09-01. Review status: criteria provided, single submitter. Criteria: CeGaT Center For Human Genetics Tuebingen Variant Classification Criteria Version 2. Collection method: clinical testing. Allele origin: germline. Affected: yes. Observed: 2 variant alleles.
Comment: MYO15A: BP4, BP7

PreventionGenetics, part of Exact Sciences
Classification: Likely benign for MYO15A-related condition. Last evaluated: 2024-11-14. Review status: criteria provided, single submitter. Criteria: ACMG Guidelines, 2015. Collection method: clinical testing. Allele origin: germline.
Comment: This variant is classified as likely benign based on ACMG/AMP sequence variant interpretation guidelines (Richards et al. 2015 PMID: 25741868, with internal and published modifications).

Blueprint Genetics
Classification: Likely benign. Last evaluated: 2024-09-23. Review status: criteria provided, single submitter. Criteria: ACMG Guidelines, 2015. Collection method: clinical testing. Allele origin: germline.

ARUP Laboratories, Molecular Genetics and Genomics, ARUP Laboratories
Classification: Likely benign for Autosomal recessive nonsyndromic hearing loss 3. Last evaluated: 2022-07-15. Review status: criteria provided, single submitter. Criteria: ARUP Molecular Germline Variant Investigation Process 2021. Collection method: clinical testing. Allele origin: germline.

GeneDx
Classification: Likely benign. Last evaluated: 2020-12-09. Review status: criteria provided, single submitter. Criteria: GeneDx Variant Classification Process June 2021. Collection method: clinical testing. Allele origin: germline. Affected: yes.

Laboratory for Molecular Medicine, Mass General Brigham Personalized Medicine
Classification: Benign. Last evaluated: 2017-01-25. Review status: criteria provided, single submitter. Criteria: LMM Criteria. Collection method: clinical testing. Allele origin: germline. Observed: 2 variant alleles.
Comment: p.Ala3481Ala in exon 65 of MYO15A: This variant is not expected to have clinical significance because it does not alter an amino acid residue, is not located wi thin the splice consensus sequence, and has been identified in 0.6% (58/9170) of African chromosomes by the Exome Aggregation Consortium (ExAC; dbSNP rs190486507).

NM_016239.4(MYO15A):c.10443G>A (p.Ala3481=)

Gene: MYO15A (myosin XVA; plus strand). Cytogenetic location: 17p11.2.
Variant type: single nucleotide variant.
Coding change: c.10443G>A on transcript NM_016239.4 (MANE Select); coding-DNA position 10443, G replaced by A.
Protein change: p.Ala3481=; no amino-acid change (alanine 3481 retained).
Molecular consequence: synonymous variant.
Genome position (GRCh38, 1-based): chr17:18,173,873, G>A. VCF-style: chr17-18173873-G-A. GRCh37 (hg19) VCF-style: chr17-18077187-G-A.
Identifiers: ClinVar variation 504638 (VCV000504638.38), dbSNP rs190486507, ClinGen allele CA8425941.